The following is an entry in ClinVar:

NM_000038.6(APC):c.6113T>C (p.Leu2038Pro)

Gene: APC (APC regulator of Wnt signaling pathway; plus strand). Cytogenetic location: 5q22.2.
Variant type: single nucleotide variant.
Coding change: c.6113T>C on transcript NM_000038.6 (MANE Select); coding-DNA position 6113, T replaced by C.
Protein change: p.Leu2038Pro; replaces leucine 2038 with proline.
Molecular consequence: missense variant.
Genome position (GRCh38, 1-based): chr5:112,841,707, T>C. VCF-style: chr5-112841707-T-C. GRCh37 (hg19) VCF-style: chr5-112177404-T-C.
Other names: c.6113T>C, p.Leu2038Pro (NM_001127510.3, NM_001354895.2, NM_001407450.1); c.6059T>C, p.Leu2020Pro (NM_001127511.3); c.6167T>C, p.Leu2056Pro (NM_001354896.2, NM_001407447.1, NM_001407448.1 and 1 more transcripts); c.6143T>C, p.Leu2048Pro (NM_001354897.2); c.6038T>C, p.Leu2013Pro (NM_001354898.2); c.6029T>C, p.Leu2010Pro (NM_001354899.2); c.5990T>C, p.Leu1997Pro (NM_001354900.2); c.5936T>C, p.Leu1979Pro (NM_001354901.2, NM_001407453.1); and 11 more; short protein forms L1654P, L1955P, L2028P, L2056P, L1909P, L1997P, L2031P, L1755P.
Identifiers: ClinVar variation 2006961 (VCV002006961.5), dbSNP rs1766137367, ClinGen allele CA16034714.
Genomic context (GRCh38, chr5:112,841,707, plus strand): 5'-CAGTTTGTTTCTCAAGAAACAGTTCTCTCAGTTCTCTTAGTATTGACTCTGAAGATGACC[T>C]GTTGCAGGAATGTATAAGCTCCGCAATGCCAAAAAAGAAAAAGCCTTCAAGACTCAAGGG-3'
Protein context (NP_000029.2, residues 2028-2048): SSLSIDSEDD[Leu2038Pro]LQECISSAMP

ClinVar aggregate classification (germline): Uncertain significance. Review status: criteria provided, multiple submitters, no conflicts (2 of 4 stars). 2 submissions from 2 submitters: Uncertain significance (2). Last evaluated 2023-11-30.

Conditions:
Familial adenomatous polyposis 1 (FAP1). Also called: FAMILIAL ADENOMATOUS POLYPOSIS 1, ATTENUATED; POLYPOSIS, ADENOMATOUS INTESTINAL. Identifiers: MedGen C2713442, MONDO:0021056, OMIM 175100. Disease mechanism: loss of function.
Classic or attenuated familial adenomatous polyposis. Identifiers: MedGen CN372698, MONDO:0021057.

Submissions (2):

All of Us Research Program, National Institutes of Health
Classification: Uncertain significance for Classic or attenuated familial adenomatous polyposis. Last evaluated: 2023-11-30. Review status: criteria provided, single submitter. Criteria: ACMG Guidelines, 2015. Collection method: clinical testing. Allele origin: germline. Inheritance: Autosomal dominant inheritance. Observed: 1 variant allele, 1 heterozygote.
Comment: This study involves interpretation of variants in research participants for the purpose of population health screening. Participant phenotype was not available at the time of variant classification. Additional details can be found in publication PMID: 35346344, PMCID: PMC8962531

Labcorp Genetics (formerly Invitae), Labcorp
Classification: Uncertain significance for Familial adenomatous polyposis 1. Last evaluated: 2022-06-15. Review status: criteria provided, single submitter. Criteria: Invitae Variant Classification Sherloc (09022015). Collection method: clinical testing. Allele origin: germline.
Comment: In summary, the available evidence is currently insufficient to determine the role of this variant in disease. Therefore, it has been classified as a Variant of Uncertain Significance. Algorithms developed to predict the effect of missense changes on protein structure and function are either unavailable or do not agree on the potential impact of this missense change (SIFT: "Deleterious"; PolyPhen-2: "Probably Damaging"; Align-GVGD: "Class C0"). This variant has not been reported in the literature in individuals affected with APC-related conditions. This variant is not present in population databases (gnomAD no frequency). This sequence change replaces leucine, which is neutral and non-polar, with proline, which is neutral and non-polar, at codon 2038 of the APC protein (p.Leu2038Pro).